The following is an entry in ClinVar:

NM_000218.3(KCNQ1):c.817C>T (p.Leu273Phe)

Gene: KCNQ1 (potassium voltage-gated channel subfamily Q member 1; plus strand). Cytogenetic location: 11p15.5.
Variant type: single nucleotide variant.
Coding change: c.817C>T on transcript NM_000218.3 (MANE Select); coding-DNA position 817, C replaced by T.
Protein change: p.Leu273Phe; replaces leucine 273 with phenylalanine.
Molecular consequence: missense variant.
Genome position (GRCh38, 1-based): chr11:2,572,882, C>T. VCF-style: chr11-2572882-C-T. GRCh37 (hg19) VCF-style: chr11-2594112-C-T.
Other names: p.L273F:CTC>TTC; NM_000218.3(KCNQ1):c.817C>T; c.817C>T, p.Leu273Phe (NM_001406836.1); c.547C>T, p.Leu183Phe (NM_001406837.1); c.436C>T, p.Leu146Phe (NM_181798.2); c.817C>T (LRG_287t1); short protein forms L273F, L146F, L183F.
Identifiers: ClinVar variation 3119 (VCV000003119.43), dbSNP rs120074180, ClinGen allele CA008331.

ClinVar aggregate classification (germline): Likely pathogenic. Review status: reviewed by expert panel (3 of 4 stars). 13 submissions from 13 submitters: Likely pathogenic (1). 12 of the submissions do not count toward it. Last evaluated 2025-07-01.

Conditions:
KCNQ1-related disorder. Also called: KCNQ1-related disorders; KCNQ1-related condition. Identifiers: MedGen CN239322.
Cardiovascular phenotype. Identifiers: MedGen CN230736.
Familial long QT syndrome (RWS). Also called: Romano-Ward syndrome; VENTRICULAR FIBRILLATION WITH PROLONGED QT INTERVAL; Congenital long QT syndrome. Identifiers: Orphanet 768, MedGen C1141890, MONDO:0019171.
Long QT syndrome (LQTS). Identifiers: MedGen C0023976, MeSH D008133, MONDO:0002442. Disease mechanism: loss of function. Inheritance: Various modes of inheritance.
Long QT syndrome 1 (LQT1). Identifiers: Orphanet 101016, Orphanet 768, MedGen C4551647, MONDO:0100316, OMIM 192500, MONDO:0008646.

Allele frequency attached by ClinVar (database versions not stated): TOPMed below 0.00001; gnomAD exomes below 0.00001 and 0.00001.
gnomAD v4.1: 9 of 1,613,818 alleles (0.00056%); highest among the groups gnomAD compares: Non-Finnish European, 0.00076%; no homozygotes.

Submissions 1 to 9 of 13:

ClinGen Potassium Channel Arrhythmia Variant Curation Expert Panel, ClinGen
Classification: Likely pathogenic for Long QT syndrome 1. Last evaluated: 2025-07-01. Review status: reviewed by expert panel. Criteria: ClinGen KChannel ACMG Specifications KCNQ1 V1.0.0 2. Collection method: curation. Allele origin: germline. Inheritance: Autosomal dominant inheritance.
Comment: NM_000218.3(KCNQ1):c.817C>T is a missense variant in KCNQ1 that replaces leucine with phenylalanine at codon 273. This variant is present in gnomAD v.4.1.0 at a maximum allele frequency of 0.000007627, with 9 alleles / 1180016 total alleles in the European (non-Finnish) population, which is lower than the ClinGen Potassium Channel Arrhythmia VCEP PM2_Supporting threshold of <0.00001 (PM2_Supporting). This variant is rare and has been reported in at least 5 apparently unrelated probands affected with long QT syndrome 1 (PMID: 8528244, PMID: 25645639, PMID: 27920829, PMID: 24372464, PMID: 37449562, PS4_Moderate). This variant has been reported in at least one affected proband exhibiting QTc prolongation above 480 milliseconds and an exercise-associated event, which together are highly specific for long QT syndrome 1 (PP4, PMID: 24372464). The variant has been reported to segregate with long QT syndrome 1 through the proband and 3 affected family members from one family, however, one member had QTc less than 480 ms and was excluded from counting, so PP1 has not been met (PMID: 28249770). Another missense variant NM_000218.3(KCNQ1):c.817C>G (p.Leu273Val) in the same codon has been observed in relation to Long QT Syndrome, however the PM5 has not been considered to avoid circularity. The computational predictor REVEL gives a score of 0.924, which is above the ClinGen Potassium Channel Arrhythmia VCEP PP3 threshold of >0.75 and predicts a damaging effect on KCNQ1 function (PP3). This variant has been shown to disrupt KCNQ1 function in at least five experimental assays, including Manual patch-clamp and Experimental/Structural/Functional Simulation (PS3; PMID: 9323054, PMID: 29451064, PMID: 29167462, PMID: 29021305, PMID: 11278406). In summary, this variant meets the criteria to be classified as likely pathogenic for long QT syndrome 1 based on the ACMG/AMP criteria applied, as specified by the ClinGen Potassium Channel Arrhythmia VCEP: PS3, PS4_Moderate, PM2_Supporting, PP3, and PP4. (VCEP specifications version 1.0.0; date of approval 03/04/2025).

Labcorp Genetics (formerly Invitae), Labcorp
Classification: Pathogenic for Long QT syndrome. Last evaluated: 2026-01-27. Review status: criteria provided, single submitter. Criteria: Invitae Variant Classification Sherloc (09022015). Collection method: clinical testing. Allele origin: germline. Not counted in ClinVar's aggregate classification.
Comment: This sequence change replaces leucine, which is neutral and non-polar, with phenylalanine, which is neutral and non-polar, at codon 273 of the KCNQ1 protein (p.Leu273Phe). This variant is present in population databases (rs120074180, gnomAD 0.0009%). This missense change has been observed in individuals with Jervell and Lange-Nielsen syndrome and long QT syndrome with or without left ventricular non-compaction cardiomyopathy and epilepsy (PMID: 8528244, 10973849, 16922724, 22949429, 24372464, 24606995, 25645639, 28249770). It has also been observed to segregate with disease in related individuals. This variant is also known as L272F and L144F. ClinVar contains an entry for this variant (Variation ID: 3119). Invitae Evidence Modeling of protein sequence and biophysical properties (such as structural, functional, and spatial information, amino acid conservation, physicochemical variation, residue mobility, and thermodynamic stability) indicates that this missense variant is expected to disrupt KCNQ1 protein function with a positive predictive value of 95%. Experimental studies have shown that this missense change affects KCNQ1 function (PMID: 9323054, 11278406, 15935335). For these reasons, this variant has been classified as Pathogenic.

Molecular Diagnostic Laboratory for Inherited Cardiovascular Disease, Montreal Heart Institute
Classification: Pathogenic for Cardiovascular phenotype. Last evaluated: 2025-11-21. Review status: criteria provided, single submitter. Criteria: ACMG Guidelines, 2015. Collection method: clinical testing. Allele origin: germline. Affected: yes. Not counted in ClinVar's aggregate classification.
Comment: PS4, PM1_strong, PP1_strong, PS3_mod, PM2, PM3, PM5, PP2, PP3

Laboratory of Genetics, Children's Clinical University Hospital Latvia
Classification: Pathogenic. Last evaluated: 2025-02-16. Review status: criteria provided, single submitter. Criteria: ACMG Guidelines, 2015. Collection method: clinical testing. Allele origin: germline. Affected: yes. Not counted in ClinVar's aggregate classification.

Mayo Clinic Laboratories, Mayo Clinic
Classification: Pathogenic. Last evaluated: 2024-07-30. Review status: criteria provided, single submitter. Criteria: ACMG Guidelines, 2015. Collection method: clinical testing. Allele origin: germline. Observed: 1 variant allele. Not counted in ClinVar's aggregate classification.
Comment: PP1_strong, PP3, PM2, PM3_supporting, PS3, PS4

Ambry Genetics
Classification: Pathogenic for Cardiovascular phenotype. Last evaluated: 2024-04-29. Review status: criteria provided, single submitter. Criteria: Ambry Variant Classification Scheme 2023. Collection method: clinical testing. Allele origin: germline. Not counted in ClinVar's aggregate classification.
Comment: The p.L273F pathogenic mutation (also known as c.817C>T), located in coding exon 6 of the KCNQ1 gene, results from a C to T substitution at nucleotide position 817. The leucine at codon 273 is replaced by phenylalanine, an amino acid with highly similar properties. This alteration has been reported in subjects with long QT syndrome and Jervell and Lange-Nielsen syndrome and has shown strong segregation with disease (Wang Q et al. Nat. Genet., 1996 Jan;12:17-23; Kapplinger JD et al. Heart Rhythm, 2009 Sep;6:1297-303; Tiron C et al. Seizure, 2015 Feb;25:65-7; Al-Aama JY et al. Clin. Genet., 2015 Dec;87:74-9). In addition, this alteration was shown to have an impact on protein function (Shalaby FY et al. Circulation, 1997 Sep;96:1733-6; Seebohm G et al. J. Biol. Chem., 2001 Apr;276:13600-5; Wilson AJ et al. Cardiovasc. Res., 2005 Aug;67:476-86). This amino acid position is highly conserved in available vertebrate species. In addition, this alteration is predicted to be deleterious by in silico analysis. This variant is considered to be rare based on population cohorts in the Genome Aggregation Database (gnomAD). Based on the supporting evidence, this variant is interpreted as a disease-causing mutation.

Blueprint Genetics
Classification: Pathogenic for KCNQ1-related disorders. Last evaluated: 2024-04-16. Review status: criteria provided, single submitter. Criteria: ACMG Guidelines, 2015. Collection method: clinical testing. Allele origin: germline. Affected: yes. Observed: 5 variant alleles. Not counted in ClinVar's aggregate classification.

Genomic Medicine Center of Excellence, King Faisal Specialist Hospital and Research Centre
Classification: Pathogenic for Long QT syndrome 1. Last evaluated: 2024-04-04. Review status: criteria provided, single submitter. Criteria: ACMG Guidelines, 2015. Collection method: clinical testing. Allele origin: germline. Not counted in ClinVar's aggregate classification.

Women's Health and Genetics/Laboratory Corporation of America, LabCorp
Classification: Pathogenic for Long QT syndrome. Last evaluated: 2024-02-05. Review status: criteria provided, single submitter. Criteria: LabCorp Variant Classification Summary - May 2015. Collection method: clinical testing. Allele origin: germline. Not counted in ClinVar's aggregate classification.
Comment: Variant summary: KCNQ1 c.817C>T (p.Leu273Phe) results in a non-conservative amino acid change located in the Ion transport domain of the encoded protein sequence. Five of five in-silico tools predict a damaging effect of the variant on protein function. The variant allele was found at a frequency of 4e-06 in 250444 control chromosomes. c.817C>T has been reported in the literature in multiple individuals and families affected with Long QT Syndrome (Kharbanda_2017, Wang_1996, Burns_2016). These data indicate that the variant is very likely to be associated with disease. At least one publication reports experimental evidence evaluating an impact on protein function. This report shows that the variant displays a pronounced KCNQ1 inactivation (Seebohm_2001). The following publications have been ascertained in the context of this evaluation (PMID: 27920829, 28249770, 11278406, 8528244). ClinVar contains an entry for this variant (Variation ID: 3119). Based on the evidence outlined above, the variant was classified as pathogenic.